The following is an entry in ClinVar:

NM_006565.4(CTCF):c.998C>T (p.Thr333Ile)

Gene: CTCF (CCCTC-binding factor; plus strand). Cytogenetic location: 16q22.1.
Variant type: single nucleotide variant.
Coding change: c.998C>T on transcript NM_006565.4 (MANE Select); coding-DNA position 998, C replaced by T.
Protein change: p.Thr333Ile; replaces threonine 333 with isoleucine.
Molecular consequence: missense variant.
Genome position (GRCh38, 1-based): chr16:67,616,790, C>T. VCF-style: chr16-67616790-C-T. GRCh37 (hg19) VCF-style: chr16-67650693-C-T.
Other names: c.14C>T, p.Thr5Ile (NM_001191022.2); c.998C>T, p.Thr333Ile (NM_001363916.2, NM_001438968.1, NM_001438969.1); short protein forms T333I, T5I.
Identifiers: ClinVar variation 5005614 (VCV005005614.2).
Genomic context (GRCh38, chr16:67,616,790, plus strand): 5'-CCATCCTTTCTCTAGGTACTCGTCCTCACAAGTGCCCAGACTGCGACATGGCCTTTGTGA[C>T]CAGTGGAGAATTGGTTCGGCATCGTCGTTACAAACACACCCACGAGAAGCCATTCAAGTG-3'
Protein context (NP_006556.1, residues 323-343): KCPDCDMAFV[Thr333Ile]SGELVRHRRY

ClinVar aggregate classification (germline): Uncertain significance (1 of 4 stars; one submission).

Conditions:
CTCF-related neurodevelopmental disorder. Also called: INTELLECTUAL DEVELOPMENTAL DISORDER, AUTOSOMAL DOMINANT 21; Intellectual disability-feeding difficulties-developmental delay-microcephaly syndrome. Identifiers: Orphanet 363611, MedGen C3809686, MONDO:0014213, OMIM 615502.

Submission:

Juno Genomics, Hangzhou Juno Genomics, Inc
Classification: Uncertain significance for CTCF-related neurodevelopmental disorder. Review status: criteria provided, single submitter. Criteria: ACMG Guidelines, 2015. Collection method: clinical testing. Allele origin: germline.
Comment: Absent from controls (or at extremely low frequency if recessive) in Genome Aggregation Database.;Missense variant in a gene that has a low rate of benign missense variation.;Located in a mutational hot spot and/or critical and well-established functional domain without benign variation.